The following is an entry in ClinVar:

NM_031293.3(PMFBP1):c.*2A>T

Gene: PMFBP1 (polyamine modulated factor 1 binding protein 1; minus strand). Cytogenetic location: 16q22.2.
Variant type: single nucleotide variant.
Coding change: c.*2A>T on transcript NM_031293.3 (MANE Select); 2 bases downstream of the stop codon, A replaced by T.
Molecular consequence: 3 prime UTR variant.
Genome position (GRCh38, 1-based): chr16:72,119,336, T>A on the plus strand (A>T on the coding strand, the complement: PMFBP1 is on the minus strand). VCF-style: chr16-72119336-T-A. GRCh37 (hg19) VCF-style: chr16-72153235-T-A.
Other names: c.*2A>T (NM_001160213.2).
Identifiers: ClinVar variation 3037134 (VCV003037134.2), dbSNP rs7186117, ClinGen allele CA8161124.

ClinVar aggregate classification (germline): Benign (0 of 4 stars; one submission).

Conditions:
PMFBP1-related disorder. Also called: PMFBP1-related condition.

Allele frequency attached by ClinVar (database versions not stated): 1000 Genomes Project 0.04393; TOPMed 0.04595; ESP Exome Variant Server 0.04655; gnomAD exomes 0.00397; ExAC 0.01338; gnomAD 0.04149; 1000 Genomes Project 30x 0.04825.
gnomAD v4.1: 12,352 of 1,613,584 alleles (0.77%); highest among the groups gnomAD compares: African/African-American, 15%; 825 homozygotes.

Submission:

PreventionGenetics, part of Exact Sciences
Classification: Benign for PMFBP1-related condition. Last evaluated: 2019-07-16. Review status: no assertion criteria provided. Collection method: clinical testing. Allele origin: germline.
Comment: This variant is classified as benign based on ACMG/AMP sequence variant interpretation guidelines (Richards et al. 2015 PMID: 25741868, with internal and published modifications).